The following is an entry in ClinVar:

NM_032776.3(JMJD1C):c.1008A>T (p.Ser336=)

Gene: JMJD1C (jumonji domain containing 1C; minus strand). Cytogenetic location: 10q21.3.
Variant type: single nucleotide variant.
Coding change: c.1008A>T on transcript NM_032776.3 (MANE Select); coding-DNA position 1008, A replaced by T.
Protein change: p.Ser336=; no amino-acid change (serine 336 retained).
Molecular consequence: synonymous variant. On other transcripts: non-coding transcript variant (1).
Genome position (GRCh38, 1-based): chr10:63,215,270, T>A on the plus strand (A>T on the coding strand, the complement: JMJD1C is on the minus strand). VCF-style: chr10-63215270-T-A. GRCh37 (hg19) VCF-style: chr10-64975030-T-A.
Other names: c.462A>T, p.Ser154= (NM_001282948.2, NM_001318154.2); c.144A>T, p.Ser48= (NM_001318153.2); c.894A>T, p.Ser298= (NM_001322252.2); c.351A>T, p.Ser117= (NM_001322254.2, NM_001322258.2); c.1008A>T (NM_032776.2).
Identifiers: ClinVar variation 1086287 (VCV001086287.11), dbSNP rs377508666, ClinGen allele CA5518900.

ClinVar aggregate classification (germline): Likely benign. Review status: criteria provided, single submitter (1 of 4 stars). 2 submissions from 2 submitters: Likely benign (1). 1 of the submissions does not count toward it. Last evaluated 2024-02-14.

Conditions:
JMJD1C-related disorder. Also called: JMJD1C-related condition.
Early Myoclonic Encephalopathy. Identifiers: MedGen C0270855.

Allele frequency attached by ClinVar (database versions not stated): gnomAD exomes 0.00001; ESP Exome Variant Server 0.00008; ExAC 0.00002; TOPMed 0.00006; gnomAD 0.00005.
gnomAD v4.1: 24 of 1,612,756 alleles (0.0015%); highest among the groups gnomAD compares: African/African-American, 0.028%; no homozygotes.

Submissions (2):

Labcorp Genetics (formerly Invitae), Labcorp
Classification: Likely benign for Early Myoclonic Encephalopathy. Last evaluated: 2024-02-14. Review status: criteria provided, single submitter. Criteria: Invitae Variant Classification Sherloc (09022015). Collection method: clinical testing. Allele origin: germline.

PreventionGenetics, part of Exact Sciences
Classification: Likely benign for JMJD1C-related condition. Last evaluated: 2019-09-18. Review status: no assertion criteria provided. Collection method: clinical testing. Allele origin: germline. Not counted in ClinVar's aggregate classification.
Comment: This variant is classified as likely benign based on ACMG/AMP sequence variant interpretation guidelines (Richards et al. 2015 PMID: 25741868, with internal and published modifications).